The following is an entry in ClinVar:

ClinVar aggregate classification (germline): Conflicting classifications of pathogenicity. Review status: criteria provided, conflicting classifications (1 of 4 stars). 3 submissions from 3 submitters: Uncertain significance (1); Likely benign (1). 1 of the submissions does not count toward it. Last evaluated 2024-08-14.

Conditions:
Peroxisome biogenesis disorder 11A (Zellweger). Also called: Peroxisome biogenesis disorder 11A. Identifiers: Orphanet 912, MedGen C3554000, MONDO:0013949, OMIM 614883.
PEX13-related disorder. Also called: PEX13-related condition; PEX13-related disorders.

Allele frequency attached by ClinVar (database versions not stated): gnomAD exomes 0.00001 and 0.00004; ExAC 0.00004; gnomAD 0.00006 and 0.00007; TOPMed 0.00008; 1000 Genomes Project 30x 0.00016; 1000 Genomes Project 0.00020; ESP Exome Variant Server 0.00023.
gnomAD v4.1: 17 of 1,614,232 alleles (0.0011%); highest among the groups gnomAD compares: African/African-American, 0.023%; no homozygotes.

Submissions (3):

Labcorp Genetics (formerly Invitae), Labcorp
Classification: Likely benign for Peroxisome biogenesis disorder 11A (Zellweger). Last evaluated: 2024-08-14. Review status: criteria provided, single submitter. Criteria: Invitae Variant Classification Sherloc (09022015). Collection method: clinical testing. Allele origin: germline.

Eurofins Ntd Llc (ga)
Classification: Uncertain significance. Last evaluated: 2017-10-09. Review status: criteria provided, single submitter. Criteria: EGL Classification Definitions 2015. Collection method: clinical testing. Allele origin: germline. Observed: 1 variant allele, 1 heterozygote.

PreventionGenetics, part of Exact Sciences
Classification: Likely benign for PEX13-related condition. Last evaluated: 2022-08-05. Review status: no assertion criteria provided. Collection method: clinical testing. Allele origin: germline. Not counted in ClinVar's aggregate classification.
Comment: This variant is classified as likely benign based on ACMG/AMP sequence variant interpretation guidelines (Richards et al. 2015 PMID: 25741868, with internal and published modifications).

NM_002618.4(PEX13):c.408T>A (p.Ile136=)

Gene: PEX13 (peroxisomal biogenesis factor 13; plus strand). Cytogenetic location: 2p15.
Variant type: single nucleotide variant.
Coding change: c.408T>A on transcript NM_002618.4 (MANE Select); coding-DNA position 408, T replaced by A.
Protein change: p.Ile136=; no amino-acid change (isoleucine 136 retained).
Molecular consequence: synonymous variant.
Genome position (GRCh38, 1-based): chr2:61,031,734, T>A. VCF-style: chr2-61031734-T-A. GRCh37 (hg19) VCF-style: chr2-61258869-T-A.
Other names: c.408T>A (NM_002618.3).
Identifiers: ClinVar variation 594448 (VCV000594448.17), dbSNP rs145776973, ClinGen allele CA1673294.
Genomic context (GRCh38, chr2:61,031,734, plus strand): 5'-TAGATTTGTTCAGCAAGCTGAAGAAAGCAGCAGGGGTGCATTTCAGTCCATTGAAAGTAT[T>A]GTGCATGCATTTGCCTCTGTCAGTATGATGATGGATGCTACCTTTTCAGCTGTCTATAAC-3'
Protein context (NP_002609.1, residues 126-146): SRGAFQSIES[Ile136=]VHAFASVSMM